The following is an entry in ClinVar:

NM_004385.5(VCAN):c.5615C>T (p.Pro1872Leu)

Genes: VCAN (versican; plus strand), VCAN-AS1 (VCAN antisense RNA 1; minus strand). Cytogenetic location: 5q14.3.
Variant type: single nucleotide variant.
Coding change: c.5615C>T on transcript NM_004385.5 (MANE Select); coding-DNA position 5615, C replaced by T.
Protein change: p.Pro1872Leu; replaces proline 1872 with leucine.
Molecular consequence: missense variant. On other transcripts: intron variant (2).
Genome position (GRCh38, 1-based): chr5:83,538,618, C>T. VCF-style: chr5-83538618-C-T. GRCh37 (hg19) VCF-style: chr5-82834437-C-T.
Other names: c.2654C>T, p.Pro885Leu (NM_001164097.2); c.4004-6919C>T (NM_001164098.2); c.1043-6919C>T (NM_001126336.3); short protein forms P1872L, P885L.
Identifiers: ClinVar variation 354429 (VCV000354429.15), dbSNP rs150017263, ClinGen allele CA3333357.

ClinVar aggregate classification (germline): Benign/Likely benign. Review status: criteria provided, multiple submitters, no conflicts (2 of 4 stars). 3 submissions from 3 submitters: Benign (2); Likely benign (1). Last evaluated 2026-01-04.

Conditions:
Vitreoretinopathy. Also called: Vitreoretinal degeneration. Identifiers: MedGen C0344290, MONDO:0020248, HP:0007773.

Allele frequency attached by ClinVar (database versions not stated): gnomAD 0.00014 and 0.00026; gnomAD exomes 0.00014 and 0.00056; ESP Exome Variant Server 0.00015; TOPMed 0.00023; ExAC 0.00052; 1000 Genomes Project 30x 0.00234; 1000 Genomes Project 0.00240.
gnomAD v4.1: 248 of 1,614,008 alleles (0.015%); highest among the groups gnomAD compares: East Asian, 0.45%; 2 homozygotes.

Submissions (3):

Labcorp Genetics (formerly Invitae), Labcorp
Classification: Benign. Last evaluated: 2026-01-04. Review status: criteria provided, single submitter. Criteria: Invitae Variant Classification Sherloc (09022015). Collection method: clinical testing. Allele origin: germline.

Blueprint Genetics
Classification: Likely benign. Last evaluated: 2024-10-16. Review status: criteria provided, single submitter. Criteria: ACMG Guidelines, 2015. Collection method: clinical testing. Allele origin: germline.

Illumina Laboratory Services, Illumina
Classification: Benign for Vitreoretinopathy. Last evaluated: 2018-01-13. Review status: criteria provided, single submitter. Criteria: ICSL Variant Classification Criteria 13 December 2019. Collection method: clinical testing. Allele origin: germline.
Comment: This variant was observed in the ICSL laboratory as part of a predisposition screen in an ostensibly healthy population. It had not been previously curated by ICSL or reported in the Human Gene Mutation Database (HGMD: prior to June 1st, 2018), and was therefore a candidate for classification through an automated scoring system. Utilizing variant allele frequency, disease prevalence and penetrance estimates, and inheritance mode, an automated score was calculated to assess if this variant is too frequent to cause the disease. Based on the score and internal cut-off values, a variant classified as benign is not then subjected to further curation. The score for this variant resulted in a classification of benign for this disease.